The following is an entry in ClinVar:

ClinVar aggregate classification (germline): Uncertain significance. Review status: criteria provided, multiple submitters, no conflicts (2 of 4 stars). 2 submissions from 2 submitters: Uncertain significance (2). Last evaluated 2025-03-09.

Conditions:
Arrhythmogenic right ventricular dysplasia 13. Also called: ARRHYTHMOGENIC RIGHT VENTRICULAR CARDIOMYOPATHY 13; Arrhythmogenic right ventricular dysplasia, familial, 13. Identifiers: MedGen C3810138, MONDO:0000908, OMIM 615616.

Allele frequency attached by ClinVar (database versions not stated): TOPMed 0.00002; gnomAD 0.00003.
gnomAD v4.1: 34 of 1,613,946 alleles (0.0021%); highest among the groups gnomAD compares: African/African-American, 0.0027%; no homozygotes.

Submissions (2):

Labcorp Genetics (formerly Invitae), Labcorp
Classification: Uncertain significance for Arrhythmogenic right ventricular dysplasia 13. Last evaluated: 2025-03-09. Review status: criteria provided, single submitter. Criteria: Invitae Variant Classification Sherloc (09022015). Collection method: clinical testing. Allele origin: germline.
Comment: This sequence change replaces threonine, which is neutral and polar, with methionine, which is neutral and non-polar, at codon 867 of the CTNNA3 protein (p.Thr867Met). This variant is present in population databases (rs761402440, gnomAD 0.006%). This variant has not been reported in the literature in individuals affected with CTNNA3-related conditions. ClinVar contains an entry for this variant (Variation ID: 1793673). Invitae Evidence Modeling of protein sequence and biophysical properties (such as structural, functional, and spatial information, amino acid conservation, physicochemical variation, residue mobility, and thermodynamic stability) indicates that this missense variant is not expected to disrupt CTNNA3 protein function with a negative predictive value of 80%. In summary, the available evidence is currently insufficient to determine the role of this variant in disease. Therefore, it has been classified as a Variant of Uncertain Significance.

Ambry Genetics
Classification: Uncertain significance. Last evaluated: 2024-09-22. Review status: criteria provided, single submitter. Criteria: Ambry Variant Classification Scheme 2023. Collection method: clinical testing. Allele origin: germline.
Comment: The p.T867M variant (also known as c.2600C>T), located in coding exon 17 of the CTNNA3 gene, results from a C to T substitution at nucleotide position 2600. The threonine at codon 867 is replaced by methionine, an amino acid with similar properties. This amino acid position is conserved. In addition, this alteration is predicted to be tolerated by in silico analysis. Since supporting evidence is limited at this time, the clinical significance of this alteration remains unclear.

NM_013266.4(CTNNA3):c.2600C>T (p.Thr867Met)

Gene: CTNNA3 (catenin alpha 3; minus strand). Cytogenetic location: 10q21.3.
Variant type: single nucleotide variant.
Coding change: c.2600C>T on transcript NM_013266.4 (MANE Select); coding-DNA position 2600, C replaced by T.
Protein change: p.Thr867Met; replaces threonine 867 with methionine.
Molecular consequence: missense variant.
Genome position (GRCh38, 1-based): chr10:65,920,418, G>A on the plus strand (C>T on the coding strand, the complement: CTNNA3 is on the minus strand). VCF-style: chr10-65920418-G-A. GRCh37 (hg19) VCF-style: chr10-67680176-G-A.
Other names: c.2600C>T, p.Thr867Met (NM_001127384.3); short protein forms T867M.
Identifiers: ClinVar variation 1793673 (VCV001793673.6), dbSNP rs761402440, ClinGen allele CA5519543.